The following is an entry in ClinVar:

NM_030962.4(SBF2):c.313A>G (p.Lys105Glu)

Gene: SBF2 (SET binding factor 2; minus strand). Cytogenetic location: 11p15.4.
Variant type: single nucleotide variant.
Coding change: c.313A>G on transcript NM_030962.4 (MANE Select); coding-DNA position 313, A replaced by G.
Protein change: p.Lys105Glu; replaces lysine 105 with glutamic acid.
Molecular consequence: missense variant.
Genome position (GRCh38, 1-based): chr11:10,031,137, T>C on the plus strand (A>G on the coding strand, the complement: SBF2 is on the minus strand). VCF-style: chr11-10031137-T-C. GRCh37 (hg19) VCF-style: chr11-10052684-T-C.
Other names: c.313A>G, p.Lys105Glu (NM_001386339.1, NM_001386342.1); short protein forms K105E.
Identifiers: ClinVar variation 583369 (VCV000583369.9), dbSNP rs139730490, ClinGen allele CA5882152.

ClinVar aggregate classification (germline): Uncertain significance (1 of 4 stars; one submission).

Conditions:
Charcot-Marie-Tooth disease type 4. Also called: Charcot-Marie-Tooth disease, type IV; Charcot-Marie-Tooth, Type 4. Identifiers: Orphanet 64749, MedGen C4082197, MONDO:0018995.

Allele frequency attached by ClinVar (database versions not stated): gnomAD exomes below 0.00001; ExAC 0.00001; gnomAD 0.00001; TOPMed 0.00002; ESP Exome Variant Server 0.00008; 1000 Genomes Project 30x 0.00016; 1000 Genomes Project 0.00020.
gnomAD v4.1: 1 of 1,613,630 alleles (0.000062%); highest among the groups gnomAD compares: East Asian, 0.0022%; no homozygotes.

Submission:

Labcorp Genetics (formerly Invitae), Labcorp
Classification: Uncertain significance for Charcot-Marie-Tooth disease type 4. Last evaluated: 2018-05-30. Review status: criteria provided, single submitter. Criteria: Invitae Variant Classification Sherloc (09022015). Collection method: clinical testing. Allele origin: germline.
Comment: In summary, the available evidence is currently insufficient to determine the role of this variant in disease. Therefore, it has been classified as a Variant of Uncertain Significance. Algorithms developed to predict the effect of missense changes on protein structure and function output the following: SIFT: "Tolerated"; PolyPhen-2: "Benign"; Align-GVGD: "Class C0". The glutamic acid amino acid residue is found in multiple mammalian species, suggesting that this missense change does not adversely affect protein function. These predictions have not been confirmed by published functional studies and their clinical significance is uncertain. This variant has not been reported in the literature in individuals with SBF2-related disease. This variant is present in population databases (rs139730490, ExAC 0.01%). This sequence change replaces lysine with glutamic acid at codon 105 of the SBF2 protein (p.Lys105Glu). The lysine residue is weakly conserved and there is a small physicochemical difference between lysine and glutamic acid.